The following is an entry in ClinVar:

ClinVar aggregate classification (germline): Uncertain significance (1 of 4 stars; one submission).

Submission:

CeGaT Center for Human Genetics Tuebingen
Classification: Uncertain significance. Last evaluated: 2026-04-01. Review status: criteria provided, single submitter. Criteria: CeGaT Center For Human Genetics Tuebingen Variant Classification Criteria Version 2. Collection method: clinical testing. Allele origin: germline. Affected: yes. Observed: 1 variant allele.
Comment: TTN: PM2

NM_001267550.2(TTN):c.105883G>A (p.Glu35295Lys)

Genes: TTN (titin; minus strand), TTN-AS1 (TTN antisense RNA 1; plus strand), LOC129935183 (ATAC-STARR-seq lymphoblastoid active region 16808; plus strand). Cytogenetic location: 2q31.2.
Variant type: single nucleotide variant.
Coding change: c.105883G>A on transcript NM_001267550.2 (MANE Select); coding-DNA position 105883, G replaced by A.
Protein change: p.Glu35295Lys; replaces glutamic acid 35295 with lysine.
Molecular consequence: missense variant.
Genome position (GRCh38, 1-based): chr2:178,530,732, C>T on the plus strand (G>A on the coding strand, the complement: TTN is on the minus strand). VCF-style: chr2-178530732-C-T. GRCh37 (hg19) VCF-style: chr2-179395459-C-T.
Other names: c.100960G>A, p.Glu33654Lys (NM_001256850.1); c.78688G>A, p.Glu26230Lys (NM_003319.4); c.98179G>A, p.Glu32727Lys (NM_133378.4); c.79063G>A, p.Glu26355Lys (NM_133432.3); c.79264G>A, p.Glu26422Lys (NM_133437.4); short protein forms E26230K, E26355K, E26422K, E32727K, E33654K, E35295K.
Identifiers: ClinVar variation 4874532 (VCV004874532.2).
Genomic context (GRCh38, chr2:178,530,732, plus strand): 5'-TTGCCCTTAATACACTGCTTTCAACCACACAGGTCAGTTTTGCAATCTCTTTAGAAGCTT[C>T]TGCTTTCAGGAACTGAGTAATCTTTGGTGGGGCAGAGACTGGGAGGTGCTGAACTTTCTC-3'
Protein context (NP_001254479.2, residues 35285-35305): PPKITQFLKA[Glu35295Lys]ASKEIAKLTC